The following is an entry in ClinVar:

ClinVar aggregate classification (germline): Pathogenic/Likely pathogenic. Review status: criteria provided, multiple submitters, no conflicts (2 of 4 stars). 2 submissions from 2 submitters: Pathogenic (1); Likely pathogenic (1). Last evaluated 2024-02-08.

Conditions:
Fucosidosis. Also called: ALPHA-L-FUCOSIDASE DEFICIENCY. Identifiers: Orphanet 349, MedGen C0016788, MONDO:0009254, OMIM 230000.

Allele frequency attached by ClinVar (database versions not stated): gnomAD exomes below 0.00001.
gnomAD v4.1: 2 of 1,613,238 alleles (0.00012%); highest among the groups gnomAD compares: East Asian, 0.0045%; no homozygotes.

Submissions (2):

Fulgent Genetics
Classification: Likely pathogenic for Fucosidosis. Last evaluated: 2024-02-08. Review status: criteria provided, single submitter. Criteria: ACMG Guidelines, 2015. Collection method: clinical testing. Allele origin: germline.

Labcorp Genetics (formerly Invitae), Labcorp
Classification: Pathogenic for Fucosidosis. Last evaluated: 2023-06-14. Review status: criteria provided, single submitter. Criteria: Invitae Variant Classification Sherloc (09022015). Collection method: clinical testing. Allele origin: germline.
Comment: For these reasons, this variant has been classified as Pathogenic. This sequence change creates a premature translational stop signal (p.Trp233*) in the FUCA1 gene. It is expected to result in an absent or disrupted protein product. Loss-of-function variants in FUCA1 are known to be pathogenic (PMID: 10094192). This variant is not present in population databases (gnomAD no frequency). This variant has not been reported in the literature in individuals affected with FUCA1-related conditions.

Literature cited by the submitters: PubMed 10094192 (cited by Labcorp Genetics (formerly Invitae), Labcorp).

NM_000147.5(FUCA1):c.698G>A (p.Trp233Ter)

Gene: FUCA1 (alpha-L-fucosidase 1; minus strand). Cytogenetic location: 1p36.11.
Variant type: single nucleotide variant.
Coding change: c.698G>A on transcript NM_000147.5 (MANE Select); coding-DNA position 698, G replaced by A.
Protein change: p.Trp233Ter; replaces tryptophan 233 with a stop codon.
Molecular consequence: nonsense. On other transcripts: non-coding transcript variant (4).
Genome position (GRCh38, 1-based): chr1:23,859,868, C>T on the plus strand (G>A on the coding strand, the complement: FUCA1 is on the minus strand). VCF-style: chr1-23859868-C-T. GRCh37 (hg19) VCF-style: chr1-24186358-C-T.
Other names: short protein forms W233*.
Identifiers: ClinVar variation 2715395 (VCV002715395.4), dbSNP rs1441298926, ClinGen allele CA339005144.
Genomic context (GRCh38, chr1:23,859,868, plus strand): 5'-CTGTCATTGTAGAGCCATGAAAGAAAATTTGTGGAGTTCCAGTAAGTATCAGGACATTCC[C>T]ACTCCCCATCAGACCAGATCAGATCAGGTTTATAGCTGGAAGACATGTGATCAGGACAGA-3'